The following is an entry in ClinVar:

NM_000038.6(APC):c.5194A>G (p.Met1732Val)

Gene: APC (APC regulator of Wnt signaling pathway; plus strand). Cytogenetic location: 5q22.2.
Variant type: single nucleotide variant.
Coding change: c.5194A>G on transcript NM_000038.6 (MANE Select); coding-DNA position 5194, A replaced by G.
Protein change: p.Met1732Val; replaces methionine 1732 with valine.
Molecular consequence: missense variant.
Genome position (GRCh38, 1-based): chr5:112,840,788, A>G. VCF-style: chr5-112840788-A-G. GRCh37 (hg19) VCF-style: chr5-112176485-A-G.
Other names: p.Met1732Val; c.5194A>G, p.Met1732Val (NM_001127510.3, NM_001354895.2); c.5140A>G, p.Met1714Val (NM_001127511.3); c.5248A>G, p.Met1750Val (NM_001354896.2); c.5224A>G, p.Met1742Val (NM_001354897.2); c.5119A>G, p.Met1707Val (NM_001354898.2); c.5110A>G, p.Met1704Val (NM_001354899.2); c.5071A>G, p.Met1691Val (NM_001354900.2); and 6 more; short protein forms M1732V, M1714V, M1572V, M1606V, M1631V, M1742V, M1750V, M1641V.
Identifiers: ClinVar variation 350414 (VCV000350414.34), dbSNP rs752065261, ClinGen allele CA040913.

ClinVar aggregate classification (germline): Uncertain significance. Review status: criteria provided, multiple submitters, no conflicts (2 of 4 stars). 11 submissions from 11 submitters: Uncertain significance (10). 1 of the submissions does not count toward it. Last evaluated 2025-12-24.

Conditions:
Carcinoma of colon (CRC). Also called: Colonic carcinoma; Colon carcinoma. Identifiers: MedGen C0699790, MONDO:0002032.
Classic or attenuated familial adenomatous polyposis. Identifiers: MedGen CN372698, MONDO:0021057.
Hereditary cancer-predisposing syndrome. Also called: Hereditary Cancer Syndrome; Neoplastic Syndromes, Hereditary; Hereditary neoplastic syndrome; Tumor predisposition. Identifiers: Orphanet 140162, MedGen C0027672, MeSH D009386, MONDO:0015356.
Familial adenomatous polyposis 1 (FAP1). Also called: FAMILIAL ADENOMATOUS POLYPOSIS 1, ATTENUATED; POLYPOSIS, ADENOMATOUS INTESTINAL. Identifiers: MedGen C2713442, MONDO:0021056, OMIM 175100. Disease mechanism: loss of function.

Allele frequency attached by ClinVar (database versions not stated): ExAC 0.00001; gnomAD exomes 0.00001; TOPMed 0.00001.

Submissions (11):

Labcorp Genetics (formerly Invitae), Labcorp
Classification: Uncertain significance for Familial adenomatous polyposis 1. Last evaluated: 2025-12-24. Review status: criteria provided, single submitter. Criteria: Invitae Variant Classification Sherloc (09022015). Collection method: clinical testing. Allele origin: germline.
Comment: This sequence change replaces methionine, which is neutral and non-polar, with valine, which is neutral and non-polar, at codon 1732 of the APC protein (p.Met1732Val). This variant is present in population databases (rs752065261, gnomAD 0.003%). This variant has not been reported in the literature in individuals affected with APC-related conditions. ClinVar contains an entry for this variant (Variation ID: 350414). Invitae Evidence Modeling of protein sequence and biophysical properties (such as structural, functional, and spatial information, amino acid conservation, physicochemical variation, residue mobility, and thermodynamic stability) indicates that this missense variant is not expected to disrupt APC protein function with a negative predictive value of 95%. In summary, the available evidence is currently insufficient to determine the role of this variant in disease. Therefore, it has been classified as a Variant of Uncertain Significance.

Mayo Clinic Laboratories, Mayo Clinic
Classification: Uncertain significance. Last evaluated: 2025-11-19. Review status: criteria provided, single submitter. Criteria: ACMG Guidelines, 2015. Collection method: clinical testing. Allele origin: germline. Observed: 1 variant allele.
Comment: BP1

GeneDx
Classification: Uncertain significance. Last evaluated: 2024-07-08. Review status: criteria provided, single submitter. Criteria: GeneDx Variant Classification Process June 2021. Collection method: clinical testing. Allele origin: germline. Affected: yes.
Comment: Not observed at significant frequency in large population cohorts (gnomAD); In silico analysis indicates that this missense variant does not alter protein structure/function; Has not been previously published as pathogenic or benign to our knowledge; This variant is associated with the following publications: (PMID: 18199528)

Color Diagnostics, LLC DBA Color Health
Classification: Uncertain significance for Hereditary cancer-predisposing syndrome. Last evaluated: 2024-03-07. Review status: criteria provided, single submitter. Criteria: ACMG Guidelines, 2015. Collection method: clinical testing. Allele origin: germline.
Comment: This missense variant replaces methionine with valine at codon 1732 of the APC protein. Computational prediction is inconclusive regarding the impact of this variant on protein structure and function (internally defined REVEL score threshold 0.5 < inconclusive < 0.7, PMID: 27666373). To our knowledge, functional studies have not been reported for this variant. This variant has not been reported in individuals affected with APC-related disorders in the literature. This variant has been identified in 3/250548 chromosomes in the general population by the Genome Aggregation Database (gnomAD). The available evidence is insufficient to determine the role of this variant in disease conclusively. Therefore, this variant is classified as a Variant of Uncertain Significance.

Baylor Genetics
Classification: Uncertain significance for Familial adenomatous polyposis 1. Last evaluated: 2024-01-19. Review status: criteria provided, single submitter. Criteria: ACMG Guidelines, 2015. Collection method: clinical testing. Allele origin: unknown.

All of Us Research Program, National Institutes of Health
Classification: Uncertain significance for Classic or attenuated familial adenomatous polyposis. Last evaluated: 2023-12-18. Review status: criteria provided, single submitter. Criteria: ACMG Guidelines, 2015. Collection method: clinical testing. Allele origin: germline. Inheritance: Autosomal dominant inheritance. Observed: 6 variant alleles, 6 heterozygotes.
Comment: This missense variant replaces methionine with valine at codon 1732 of the APC protein. Computational prediction is inconclusive regarding the impact of this variant on protein structure and function (internally defined REVEL score threshold 0.5 < inconclusive < 0.7, PMID: 27666373). Splice site prediction tools suggest that this variant may not impact RNA splicing. To our knowledge, functional studies have not been performed for this variant. This variant has not been reported in individuals affected with hereditary cancer in the literature. This variant has been identified in 3/250548 chromosomes in the general population by the Genome Aggregation Database (gnomAD). The available evidence is insufficient to determine the role of this variant in disease conclusively. Therefore, this variant is classified as a Variant of Uncertain Significance.

This study involves interpretation of variants in research participants for the purpose of population health screening. Participant phenotype was not available at the time of variant classification. Additional details can be found in publication PMID: 35346344, PMCID: PMC8962531

Ambry Genetics
Classification: Uncertain significance for Hereditary cancer-predisposing syndrome. Last evaluated: 2023-11-13. Review status: criteria provided, single submitter. Criteria: Ambry Variant Classification Scheme 2023. Collection method: clinical testing. Allele origin: germline.
Comment: The p.M1732V variant (also known as c.5194A>G), located in coding exon 15 of the APC gene, results from an A to G substitution at nucleotide position 5194. The methionine at codon 1732 is replaced by valine, an amino acid with highly similar properties. This amino acid position is highly conserved in available vertebrate species. In addition, in silico predictors for this gene do not accurately predict pathogenicity. Since supporting evidence is limited at this time, the clinical significance of this alteration remains unclear.

Quest Diagnostics Nichols Institute San Juan Capistrano
Classification: Uncertain significance. Last evaluated: 2023-06-28. Review status: criteria provided, single submitter. Criteria: Quest Diagnostics criteria. Collection method: clinical testing. Allele origin: unknown.
Comment: To the best of our knowledge, this variant has not been reported in the published literature. The frequency of this variant in the general population, 0.000012 (3/250548 chromosomes (Genome Aggregation Database)), is uninformative in the assessment of its pathogenicity. Analysis of this variant using bioinformatics tools for the prediction of the effect of amino acid changes on protein structure and function yielded conflicting predictions that this variant is deleterious or benign. Based on the available information, we are unable to determine the clinical significance of this variant.

Genetic Services Laboratory, University of Chicago
Classification: Uncertain significance. Last evaluated: 2021-10-14. Review status: criteria provided, single submitter. Criteria: ACMG Guidelines, 2015. Collection method: clinical testing. Allele origin: germline. Affected: no.
Comment: DNA sequence analysis of the APC gene demonstrated a sequence change, c.5194A>G, in exon 16 that results in an amino acid change, p.Met1732Val. This sequence change does not appear to have been previously described in individuals with APC-related disorders. This sequence change has been described in one south Asian individual and two non-Finnish European individuals in the gnomAD population database (dbSNP rs752065261). The p.Met1732Val change affects a highly conserved amino acid residue located in a domain of the APC protein that is known to be functional. In-silico pathogenicity prediction tools (SIFT, PolyPhen2, Align GVGD, REVEL) provide contradictory results for the p.Met1732Val substitution. Due to insufficient evidence and the lack of functional studies, the clinical significance of the p.Met1732Val change remains unknown at this time.

Women's Health and Genetics/Laboratory Corporation of America, LabCorp
Classification: Uncertain significance. Last evaluated: 2017-12-04. Review status: criteria provided, single submitter. Criteria: LabCorp Variant Classification Summary - May 2015. Collection method: clinical testing. Allele origin: germline.
Comment: Variant summary: The APC c.5194A>G (p.Met1732Val) variant involves the alteration of a conserved nucleotide. 2/4 in silico tools predict a benign outcome for this variant (SNPsandGO not captured due to low reliability index). This variant was found in 3/245306 control chromosomes at a frequency of 0.0000122, which does not exceed the estimated maximal expected allele frequency of a pathogenic APC variant (0.0000714). In addition, multiple clinical diagnostic laboratories/reputable databases classified this variant as uncertain significance. The variant of interest has not, to our knowledge, been reported in affected individuals via publications nor evaluated for functional impact by in vivo/vitro studies. Because of the absence of clinical information and the lack of functional studies, the variant is classified as a variant of uncertain significance (VUS) until additional information becomes available.

Department of Pathology and Laboratory Medicine, Sinai Health System
Classification: Uncertain significance for Carcinoma of colon. Review status: no assertion criteria provided. Collection method: clinical testing. Allele origin: unknown. Affected: yes. Study: The Canadian Open Genetics Repository (COGR). Not counted in ClinVar's aggregate classification.
Comment: The APC p.Met1732Val variant was not identified in the literature nor was it identified in the LOVD 3.0 or UMD-LSDB databases. The variant was identified in dbSNP (ID: rs752065261) as "With Uncertain significance allele" and ClinVar (classified as uncertain significance by Invitae, GeneDx, and three other submitters). The variant was identified in control databases in 3 of 245306 chromosomes at a frequency of 0.00001 (Genome Aggregation Database Feb 27, 2017). The variant was observed in the following populations: European in 2 of 110926 chromosomes (freq: 0.00002) and South Asian in 1 of 30766 chromosomes (freq: 0.00003), while it was not observed in the African, Other, Latino, Ashkenazi Jewish, East Asian, or Finnish populations. The p.Met1732 residue is not conserved in mammals and computational analyses (PolyPhen-2, SIFT, AlignGVGD, BLOSUM, MutationTaster) provide inconsistent predictions regarding the impact to the protein; this information is not very predictive of pathogenicity. The variant occurs outside of the splicing consensus sequence and in silico or computational prediction software programs (SpliceSiteFinder, MaxEntScan, NNSPLICE, GeneSplicer) do not predict a difference in splicing. In summary, based on the above information, the clinical significance of this variant cannot be determined with certainty at this time. This variant is classified as a variant of uncertain significance.